The following is an entry in ClinVar:

ClinVar aggregate classification (germline): Uncertain significance (1 of 4 stars; one submission).

Conditions:
Autoimmune lymphoproliferative syndrome, type III caused by mutation in PRKCD. Identifiers: Orphanet 3261, Orphanet 664711, MedGen C3809928, MONDO:8000024, OMIM 615559.

Submission:

Labcorp Genetics (formerly Invitae), Labcorp
Classification: Uncertain significance for Autoimmune lymphoproliferative syndrome, type III caused by mutation in PRKCD. Last evaluated: 2025-11-08. Review status: criteria provided, single submitter. Criteria: Invitae Variant Classification Sherloc (09022015). Collection method: clinical testing. Allele origin: germline.
Comment: This sequence change replaces valine, which is neutral and non-polar, with leucine, which is neutral and non-polar, at codon 118 of the PRKCD protein (p.Val118Leu). This variant is not present in population databases (gnomAD no frequency). This variant has not been reported in the literature in individuals affected with PRKCD-related conditions. An algorithm developed to predict the effect of missense changes on protein structure and function (PolyPhen-2) suggests that this variant is likely to be tolerated. In summary, the available evidence is currently insufficient to determine the role of this variant in disease. Therefore, it has been classified as a Variant of Uncertain Significance.

NM_006254.4(PRKCD):c.352G>C (p.Val118Leu)

Genes: PRKCD (protein kinase C delta; plus strand), LOC129936895 (ATAC-STARR-seq lymphoblastoid active region 19963; plus strand). Cytogenetic location: 3p21.1.
Variant type: single nucleotide variant.
Coding change: c.352G>C on transcript NM_006254.4 (MANE Select); coding-DNA position 352, G replaced by C.
Protein change: p.Val118Leu; replaces valine 118 with leucine.
Molecular consequence: missense variant.
Genome position (GRCh38, 1-based): chr3:53,181,243, G>C. VCF-style: chr3-53181243-G-C. GRCh37 (hg19) VCF-style: chr3-53215259-G-C.
Other names: c.352G>C, p.Val118Leu (NM_001316327.2, NM_001354679.2, NM_001354680.2 and 1 more transcripts); c.409G>C, p.Val137Leu (NM_001354676.2); c.400G>C, p.Val134Leu (NM_001354678.2); short protein forms V118L, V134L, V137L.
Identifiers: ClinVar variation 4807747 (VCV004807747.1).